The following is an entry in ClinVar:

NM_001103.4(ACTN2):c.2368-3C>A

Gene: ACTN2 (actinin alpha 2; plus strand). Cytogenetic location: 1q43.
Variant type: single nucleotide variant.
Coding change: c.2368-3C>A on transcript NM_001103.4 (MANE Select); 3 bases into the intron before coding-DNA position 2368, C replaced by A.
Molecular consequence: intron variant.
Genome position (GRCh38, 1-based): chr1:236,761,012, C>A. VCF-style: chr1-236761012-C-A. GRCh37 (hg19) VCF-style: chr1-236924312-C-A.
Other names: c.2368-3C>A (NM_001278343.2).
Identifiers: ClinVar variation 2954146 (VCV002954146.3), dbSNP rs2527664744, ClinGen allele CA2740092642.

ClinVar aggregate classification (germline): Uncertain significance (1 of 4 stars; one submission).

Conditions:
Dilated cardiomyopathy 1AA (CMD1AA). Also called: CARDIOMYOPATHY, DILATED, 1AA, WITH OR WITHOUT LEFT VENTRICULAR NONCOMPACTION; CARDIOMYOPATHY, FAMILIAL HYPERTROPHIC, 23, WITH OR WITHOUT LEFT VENTRICULAR NONCOMPACTION; Cardiomyopathy, dilated, 1AA, with or without LVNC. Identifiers: Orphanet 154, MedGen C2677338, MONDO:0012808, OMIM 612158.
Primary familial hypertrophic cardiomyopathy (HCM). Identifiers: Orphanet 99739, MedGen C0949658, MeSH D024741, MONDO:0024573. Inheritance: Various modes of inheritance.

Submission:

Labcorp Genetics (formerly Invitae), Labcorp
Classification: Uncertain significance for Primary familial hypertrophic cardiomyopathy; Dilated cardiomyopathy 1AA. Last evaluated: 2023-11-24. Review status: criteria provided, single submitter. Criteria: Invitae Variant Classification Sherloc (09022015). Collection method: clinical testing. Allele origin: germline.
Comment: This sequence change falls in intron 19 of the ACTN2 gene. It does not directly change the encoded amino acid sequence of the ACTN2 protein. It affects a nucleotide within the consensus splice site. This variant is not present in population databases (gnomAD no frequency). This variant has not been reported in the literature in individuals affected with ACTN2-related conditions. Variants that disrupt the consensus splice site are a relatively common cause of aberrant splicing (PMID: 17576681, 9536098). Algorithms developed to predict the effect of sequence changes on RNA splicing suggest that this variant is not likely to affect RNA splicing. In summary, the available evidence is currently insufficient to determine the role of this variant in disease. Therefore, it has been classified as a Variant of Uncertain Significance.

Literature cited by the submitters: PubMed 17576681; PubMed 9536098.